The following is an entry in ClinVar:

NM_005356.5(LCK):c.1506G>C (p.Glu502Asp)

Gene: LCK (LCK proto-oncogene, Src family tyrosine kinase; plus strand). Cytogenetic location: 1p35.2.
Variant type: single nucleotide variant.
Coding change: c.1506G>C on transcript NM_005356.5 (MANE Select); coding-DNA position 1506, G replaced by C.
Protein change: p.Glu502Asp; replaces glutamic acid 502 with aspartic acid.
Molecular consequence: missense variant.
Genome position (GRCh38, 1-based): chr1:32,285,692, G>C. VCF-style: chr1-32285692-G-C. GRCh37 (hg19) VCF-style: chr1-32751293-G-C.
Other names: c.1506G>C, p.Glu502Asp (NM_001042771.3); c.1353G>C, p.Glu451Asp (NM_001330468.2); short protein forms E451D, E502D.
Identifiers: ClinVar variation 2637146 (VCV002637146.1), dbSNP rs2521749804, ClinGen allele CA339644301.

ClinVar aggregate classification (germline): Uncertain significance (1 of 4 stars; one submission).

Conditions:
LCK-related disorder. Also called: LCK-related condition.

Submission:

PreventionGenetics, part of Exact Sciences
Classification: Uncertain significance for LCK-related condition. Last evaluated: 2022-10-05. Review status: criteria provided, single submitter. Criteria: ACMG Guidelines, 2015. Collection method: clinical testing. Allele origin: germline.
Comment: The LCK c.1506G>C variant is predicted to result in the amino acid substitution p.Glu502Asp. To our knowledge, this variant has not been reported in the literature or in a large population database, indicating this variant is rare. At this time, the clinical significance of this variant is uncertain due to the absence of conclusive functional and genetic evidence.